The following continues an entry in ClinVar:

NM_000059.4(BRCA2):c.800G>A (p.Gly267Glu)

Gene: BRCA2. ClinVar aggregate classification (germline): Conflicting classifications of pathogenicity. Uncertain significance (6); Likely benign (9).

Submissions 13 to 17 of 17:

ARUP Laboratories, Molecular Genetics and Genomics, ARUP Laboratories
Classification: Uncertain significance. Last evaluated: 2020-06-10. Review status: criteria provided, single submitter. Criteria: ARUP Molecular Germline Variant Investigation Process. Collection method: clinical testing. Allele origin: germline.
Comment: The BRCA2 c.800G>A; p.Gly267Glu variant (rs80359036) is reported in the literature in several individuals affected with breast and/or ovarian cancer, although its clinical significance in these individuals was not determined (Alhuqail 2018, Davies 2017, Loizidou 2017, Santonocito 2020). This variant is found on only six chromosomes (6/111498 alleles) in the Genome Aggregation Database. The glycine at codon 267 is weakly conserved, and computational analyses (SIFT, PolyPhen-2) predict that this variant is tolerated. Functional studies suggest normal DNA damage repair activity, but cells expressing this variant exhibit defects in cytokinesis (von Nicolai 2016). Due to limited information, the clinical significance of the Gly267Glu variant is uncertain at this time. References: Alhuqail AJ et al. High prevalence of deleterious BRCA1 and BRCA2 germline mutations in arab breast and ovarian cancer patients. Breast Cancer Res Treat. 2018;168(3):695-702. Davies H et al. HRDetect is a predictor of BRCA1 and BRCA2 deficiency based on mutational signatures. Nat Med. 2017;23(4):517-525. Loizidou MA et al. BRCA1 and BRCA2 mutation testing in Cyprus; a population based study. Clin Genet. 2017;91(4):611-615. Santonocito C et al. Spectrum of Germline BRCA1 and BRCA2 Variants Identified in 2351 Ovarian and Breast Cancer Patients Referring to a Reference Cancer Hospital of Rome. Cancers (Basel). 2020;12(5):E1286. von Nicolai C. Characterization of a novel DNA binding domain in the N-terminus of BRCA2 and evaluation of BRCA2 variants identified in breast cancer patients in the same region. Biomolecules (q-bio.BM). Universite Paris-Saclay, 2016. English. NNT:2016SACLS123.

Ambry Genetics
Classification: Likely benign for Hereditary cancer-predisposing syndrome. Last evaluated: 2019-01-25. Review status: criteria provided, single submitter. Criteria: Ambry Variant Classification Scheme 2023. Collection method: clinical testing. Allele origin: germline.

Color Diagnostics, LLC DBA Color Health
Classification: Likely benign for Hereditary cancer-predisposing syndrome. Last evaluated: 2016-01-08. Review status: criteria provided, single submitter. Criteria: ACMG Guidelines, 2015. Collection method: clinical testing. Allele origin: germline.

Breast Cancer Information Core (BIC) (BRCA2)
Classification: Uncertain significance for Breast-ovarian cancer, familial 2. Last evaluated: 2002-05-29. Review status: no assertion criteria provided. Collection method: clinical testing. Allele origin: germline. Affected: yes. Observed: 6 variant alleles. Not counted in ClinVar's aggregate classification.

Department of Pathology and Laboratory Medicine, Sinai Health System
Classification: Uncertain significance for Breast-ovarian cancer, familial, susceptibility to, 2. Review status: no assertion criteria provided. Collection method: clinical testing. Allele origin: unknown. Affected: yes. Study: The Canadian Open Genetics Repository (COGR). Not counted in ClinVar's aggregate classification.
Comment: The BRCA2 p.Gly267Glu variant was identified in 1 of 1120 proband chromosomes (frequency: 0.0009) from individuals with breast cancer and was classified as uncertain significance (Davies 2017 PMID: 28288110). The variant was also identified in dbSNP (ID: rs80359036) as "With Uncertain significance allele", in ClinVar (Likely Benign 1x by Ambry, Uncertain Significance 5x by CHEO, GeneDx, Quest, Invitae and BIC), Cosmic (2x classified as neutral), and UMD-LSDB (15x classified as unknown variant and in one case identified with co-occurring pathogenic variant BRCA2 c.7235insG). The variant was not identified in GeneInsight-COGR, MutDB, LOVD 3.0, BIC Database, ARUP Laboratories, or Zhejiang Colon Cancer Database. The variant was identified in control databases in 7 of 239416 chromosomes at a frequency of 0.00003 (Genome Aggregation Database Feb 27, 2017). Breakdown of the observations by population include European Non-Finnish in 7 of 109718 chromosomes (freq: 0.00006), while the variant was not observed in the African, Other, Latino, Ashkenazi Jewish, East Asian, Finnish, and South Asian populations. Although the p.Gly267Glu residue is not conserved in mammals and other organisms, 4 of 5 computational analyses (PolyPhen-2, SIFT, AlignGVGD, BLOSUM, MutationTaster) suggest that the G variant may impact the protein. The variant occurs outside of the splicing consensus sequence and in silico or computational prediction software programs (SpliceSiteFinder, MaxEntScan, NNSPLICE, GeneSplicer, HumanSpliceFinder) do not predict a difference in splicing. In summary, based on the above information the clinical significance of this variant cannot be determined with certainty at this time. This variant is classified as a variant of uncertain significance.

Literature cited by the submitters: PubMed 24121792 (cited by Women's Health and Genetics/Laboratory Corporation of America, LabCorp and Quest Diagnostics Nichols Institute San Juan Capistrano); PubMed 25348012 (cited by Women's Health and Genetics/Laboratory Corporation of America, LabCorp and Quest Diagnostics Nichols Institute San Juan Capistrano); PubMed 26740942 (cited by Women's Health and Genetics/Laboratory Corporation of America, LabCorp and Sema4); PubMed 27882536 (cited by 3 submitters); PubMed 28288110 (cited by Women's Health and Genetics/Laboratory Corporation of America, LabCorp and Quest Diagnostics Nichols Institute San Juan Capistrano); PubMed 30040829 (cited by 3 submitters); PubMed 31131967 (cited by Women's Health and Genetics/Laboratory Corporation of America, LabCorp and Quest Diagnostics Nichols Institute San Juan Capistrano); PubMed 31112341 (cited by Women's Health and Genetics/Laboratory Corporation of America, LabCorp); PubMed 31409081 (cited by Women's Health and Genetics/Laboratory Corporation of America, LabCorp); PubMed 32438681 (cited by 3 submitters); PubMed 31294896 (cited by Women's Health and Genetics/Laboratory Corporation of America, LabCorp); PubMed 29297111 (cited by 3 submitters); PubMed 33471991 (cited by Women's Health and Genetics/Laboratory Corporation of America, LabCorp and Quest Diagnostics Nichols Institute San Juan Capistrano); PubMed 35402282 (cited by Women's Health and Genetics/Laboratory Corporation of America, LabCorp and Quest Diagnostics Nichols Institute San Juan Capistrano); PubMed 34326862 (cited by Women's Health and Genetics/Laboratory Corporation of America, LabCorp and Quest Diagnostics Nichols Institute San Juan Capistrano); PubMed 31911673 (cited by Quest Diagnostics Nichols Institute San Juan Capistrano).